The following is an entry in ClinVar:

NM_021615.5(CHST6):c.484C>G (p.Arg162Gly)

Gene: CHST6 (carbohydrate sulfotransferase 6; minus strand). Cytogenetic location: 16q23.1.
Variant type: single nucleotide variant.
Coding change: c.484C>G on transcript NM_021615.5 (MANE Select); coding-DNA position 484, C replaced by G.
Protein change: p.Arg162Gly; replaces arginine 162 with glycine.
Molecular consequence: missense variant.
Genome position (GRCh38, 1-based): chr16:75,479,345, G>C on the plus strand (C>G on the coding strand, the complement: CHST6 is on the minus strand). VCF-style: chr16-75479345-G-C. GRCh37 (hg19) VCF-style: chr16-75513243-G-C.
Other names: short protein forms R162G.
Identifiers: ClinVar variation 320611 (VCV000320611.19), dbSNP rs117435647, ClinGen allele CA8175487.
Genomic context (GRCh38, chr16:75,479,345, plus strand): 5'-GCAGGTTGAAGAAGCGCACCTCCTTGAGCACCACGTGGCTGTAGGAGCGGCAGGCCTCCC[G>C]GGCCAGGGTGAAGGACTGCCGCGCGCACAGTGGCTTGCACACGGCCTCGCTGCTGATGGC-3'
Protein context (NP_067628.1, residues 152-172): LCARQSFTLA[Arg162Gly]EACRSYSHVV

ClinVar aggregate classification (germline): Benign. Review status: criteria provided, multiple submitters, no conflicts (2 of 4 stars). 5 submissions from 5 submitters: Benign (5). Last evaluated 2026-02-04.

Conditions:
Macular corneal dystrophy (MCD). Also called: GROENOUW TYPE II CORNEAL DYSTROPHY; Macular corneal dystrophy Type I. Identifiers: Orphanet 98969, MedGen C1636149, MONDO:0009020, OMIM 217800.

Allele frequency attached by ClinVar (database versions not stated): 1000 Genomes Project 30x 0.01733; 1000 Genomes Project 0.01757; TOPMed 0.03715; ESP Exome Variant Server 0.03868.
gnomAD v4.1: 79,785 of 1,612,722 alleles (4.9%); highest among the groups gnomAD compares: Non-Finnish European, 5.9%; 2,321 homozygotes.

Submissions (5):

Labcorp Genetics (formerly Invitae), Labcorp
Classification: Benign for Macular corneal dystrophy. Last evaluated: 2026-02-04. Review status: criteria provided, single submitter. Criteria: Invitae Variant Classification Sherloc (09022015). Collection method: clinical testing. Allele origin: germline.

GeneDx
Classification: Benign. Last evaluated: 2019-01-14. Review status: criteria provided, single submitter. Criteria: GeneDx Variant Classification Process June 2021. Collection method: clinical testing. Allele origin: germline. Affected: yes.

Mayo Clinic Laboratories, Mayo Clinic
Classification: Benign. Last evaluated: 2018-11-26. Review status: criteria provided, single submitter. Criteria: ACMG Guidelines, 2015. Collection method: clinical testing. Allele origin: germline. Observed: 6 variant alleles.

Illumina Laboratory Services, Illumina
Classification: Benign for Macular corneal dystrophy. Last evaluated: 2018-01-12. Review status: criteria provided, single submitter. Criteria: ICSL Variant Classification Criteria 13 December 2019. Collection method: clinical testing. Allele origin: germline.
Comment: This variant was observed in the ICSL laboratory as part of a predisposition screen in an ostensibly healthy population. It had not been previously curated by ICSL or reported in the Human Gene Mutation Database (HGMD: prior to June 1st, 2018), and was therefore a candidate for classification through an automated scoring system. Utilizing variant allele frequency, disease prevalence and penetrance estimates, and inheritance mode, an automated score was calculated to assess if this variant is too frequent to cause the disease. Based on the score and internal cut-off values, a variant classified as benign is not then subjected to further curation. The score for this variant resulted in a classification of benign for this disease.

Breakthrough Genomics
Classification: Benign. Review status: criteria provided, single submitter. Criteria: ACMG Guidelines, 2015. Collection method: not provided. Allele origin: germline. Inheritance: Autosomal recessive inheritance. Affected: yes.